The following is an entry in ClinVar:

NM_152564.5(VPS13B):c.8353G>A (p.Val2785Ile)

Gene: VPS13B (vacuolar protein sorting 13 homolog B; plus strand). Cytogenetic location: 8q22.2.
Variant type: single nucleotide variant.
Coding change: c.8353G>A on transcript NM_152564.5 (MANE Select); coding-DNA position 8353, G replaced by A.
Protein change: p.Val2785Ile; replaces valine 2785 with isoleucine.
Molecular consequence: missense variant.
Genome position (GRCh38, 1-based): chr8:99,817,795, G>A. VCF-style: chr8-99817795-G-A. GRCh37 (hg19) VCF-style: chr8-100830023-G-A.
Other names: c.8353G>A (NM_152564.4); c.8428G>A (NM_017890.3); c.8428G>A, p.Val2810Ile (NM_017890.5); short protein forms V2785I, V2810I.
Identifiers: ClinVar variation 662400 (VCV000662400.10), dbSNP rs377170629, ClinGen allele CA371773476.

ClinVar aggregate classification (germline): Uncertain significance. Review status: criteria provided, multiple submitters, no conflicts (2 of 4 stars). 4 submissions from 4 submitters: Uncertain significance (2). 2 of the submissions do not count toward it. Last evaluated 2025-06-18.

Conditions:
Inborn genetic diseases. Identifiers: MedGen C0950123, MeSH D030342.
VPS13B-related disorder. Also called: VPS13B-related condition.
Cohen syndrome (COH1). Also called: PEPPER SYNDROME; Cutis verticis gyrata, retinitis pigmentosa, and sensorineural deafness. Identifiers: Orphanet 193, MedGen C0265223, MONDO:0008999, OMIM 216550.

Allele frequency attached by ClinVar (database versions not stated): gnomAD exomes 0.00001; TOPMed 0.00002.
gnomAD v4.1: 8 of 1,614,032 alleles (0.0005%); highest among the groups gnomAD compares: Non-Finnish European, 0.00068%; no homozygotes.

Submissions (4):

Ambry Genetics
Classification: Uncertain significance for Inborn genetic diseases. Last evaluated: 2025-06-18. Review status: criteria provided, single submitter. Criteria: Ambry Variant Classification Scheme 2023. Collection method: clinical testing. Allele origin: germline.

Labcorp Genetics (formerly Invitae), Labcorp
Classification: Uncertain significance for Cohen syndrome. Last evaluated: 2021-10-29. Review status: criteria provided, single submitter. Criteria: Invitae Variant Classification Sherloc (09022015). Collection method: clinical testing. Allele origin: germline.
Comment: This sequence change replaces valine, which is neutral and non-polar, with isoleucine, which is neutral and non-polar, at codon 2810 of the VPS13B protein (p.Val2810Ile). This variant is present in population databases (no rsID available, gnomAD 0.003%). This variant has not been reported in the literature in individuals affected with VPS13B-related conditions. ClinVar contains an entry for this variant (Variation ID: 662400). Algorithms developed to predict the effect of missense changes on protein structure and function are either unavailable or do not agree on the potential impact of this missense change (SIFT: "Not Available"; PolyPhen-2: "Benign"; Align-GVGD: "Not Available"). In summary, the available evidence is currently insufficient to determine the role of this variant in disease. Therefore, it has been classified as a Variant of Uncertain Significance.

PreventionGenetics, part of Exact Sciences
Classification: Uncertain significance for VPS13B-related condition. Last evaluated: 2024-05-10. Review status: no assertion criteria provided. Collection method: clinical testing. Allele origin: germline. Not counted in ClinVar's aggregate classification.
Comment: The VPS13B c.8353G>A variant is predicted to result in the amino acid substitution p.Val2785Ile. To our knowledge, this variant has not been reported in the literature. This variant is reported in 0.0026% of alleles in individuals of European (Non-Finnish) descent in gnomAD. At this time, the clinical significance of this variant is uncertain due to the absence of conclusive functional and genetic evidence.

Natera, Inc.
Classification: Uncertain significance for Cohen syndrome. Last evaluated: 2021-05-07. Review status: no assertion criteria provided. Collection method: clinical testing. Allele origin: germline. Not counted in ClinVar's aggregate classification.